The following is an entry in ClinVar:

ClinVar aggregate classification (germline): Uncertain significance (1 of 4 stars; one submission).

Conditions:
Emery-Dreifuss muscular dystrophy 5, autosomal dominant (EDMD5). Also called: EMERY-DREIFUSS MUSCULAR DYSTROPHY 5. Identifiers: Orphanet 261, MedGen C2751805, MONDO:0013072, OMIM 612999.

Allele frequency attached by ClinVar (database versions not stated): gnomAD 0.00001; gnomAD exomes 0.00001; TOPMed 0.00001.
gnomAD v4.1: 13 of 1,613,992 alleles (0.00081%); highest among the groups gnomAD compares: South Asian, 0.0044%; no homozygotes.

Submission:

Labcorp Genetics (formerly Invitae), Labcorp
Classification: Uncertain significance for Emery-Dreifuss muscular dystrophy 5, autosomal dominant. Last evaluated: 2024-01-25. Review status: criteria provided, single submitter. Criteria: Invitae Variant Classification Sherloc (09022015). Collection method: clinical testing. Allele origin: germline.
Comment: This sequence change replaces methionine, which is neutral and non-polar, with valine, which is neutral and non-polar, at codon 230 of the SYNE2 protein (p.Met230Val). This variant is present in population databases (rs762228781, gnomAD 0.0009%). This variant has not been reported in the literature in individuals affected with SYNE2-related conditions. An algorithm developed to predict the effect of missense changes on protein structure and function (PolyPhen-2) suggests that this variant is likely to be tolerated. In summary, the available evidence is currently insufficient to determine the role of this variant in disease. Therefore, it has been classified as a Variant of Uncertain Significance.

NM_182914.3(SYNE2):c.688A>G (p.Met230Val)

Gene: SYNE2 (spectrin repeat containing nuclear envelope protein 2; plus strand). Cytogenetic location: 14q23.2.
Variant type: single nucleotide variant.
Coding change: c.688A>G on transcript NM_182914.3 (MANE Select); coding-DNA position 688, A replaced by G.
Protein change: p.Met230Val; replaces methionine 230 with valine.
Molecular consequence: missense variant.
Genome position (GRCh38, 1-based): chr14:63,954,816, A>G. VCF-style: chr14-63954816-A-G. GRCh37 (hg19) VCF-style: chr14-64421534-A-G.
Other names: c.688A>G, p.Met230Val (NM_015180.6); short protein forms M230V.
Identifiers: ClinVar variation 2722607 (VCV002722607.3), dbSNP rs762228781, ClinGen allele CA261806630.